The following is an entry in ClinVar:

ClinVar aggregate classification (germline): Uncertain significance (1 of 4 stars; one submission).

Submission:

Labcorp Genetics (formerly Invitae), Labcorp
Classification: Uncertain significance. Last evaluated: 2024-10-07. Review status: criteria provided, single submitter. Criteria: Invitae Variant Classification Sherloc (09022015). Collection method: clinical testing. Allele origin: germline.
Comment: This sequence change falls in intron 4 of the NR2E3 gene. It does not directly change the encoded amino acid sequence of the NR2E3 protein. It affects a nucleotide within the consensus splice site. This variant is not present in population databases (gnomAD no frequency). This variant has not been reported in the literature in individuals affected with NR2E3-related conditions. Variants that disrupt the consensus splice site are a relatively common cause of aberrant splicing (PMID: 17576681, 9536098). Algorithms developed to predict the effect of sequence changes on RNA splicing suggest that this variant may disrupt the consensus splice site. In summary, the available evidence is currently insufficient to determine the role of this variant in disease. Therefore, it has been classified as a Variant of Uncertain Significance.

Literature cited by the submitters: PubMed 17576681; PubMed 9536098.

NM_014249.4(NR2E3):c.571+4A>G

Gene: NR2E3 (nuclear receptor subfamily 2 group E member 3; plus strand). Cytogenetic location: 15q23.
Variant type: single nucleotide variant.
Coding change: c.571+4A>G on transcript NM_014249.4 (MANE Select); 4 bases into the intron after coding-DNA position 571, A replaced by G.
Molecular consequence: intron variant.
Genome position (GRCh38, 1-based): chr15:71,812,180, A>G. VCF-style: chr15-71812180-A-G. GRCh37 (hg19) VCF-style: chr15-72104520-A-G.
Other names: c.571+4A>G (NM_016346.4).
Identifiers: ClinVar variation 3722396 (VCV003722396.2).